The following is an entry in ClinVar:

ClinVar aggregate classification (germline): Uncertain significance. Review status: criteria provided, multiple submitters, no conflicts (2 of 4 stars). 3 submissions from 3 submitters: Uncertain significance (3). Last evaluated 2023-05-08.

Conditions:
Hyperkalemic periodic paralysis. Also called: Familial hyperkalemic periodic paralysis; Gamstorp disease. Identifiers: Orphanet 682, MedGen C0238357, MONDO:0008224, OMIM 170500, HP:0007215.
Congenital myasthenic syndrome 16. Identifiers: Orphanet 590, MedGen C3280112, MONDO:0013620, OMIM 614198.
Hypokalemic periodic paralysis, type 1. Also called: Hypokalemic Periodic Paralysis Type 1 (AD); HypoPP. Identifiers: Orphanet 681, MedGen C3714580, MONDO:0042979, OMIM 170400.
Paramyotonia congenita of Von Eulenburg. Also called: Myotonia congenita intermittens; Von Eulenburg paramyotonia congenita; Paramyotonia Congenita; PARALYSIS PERIODICA PARAMYOTONICA; Eulenburg disease. Identifiers: Orphanet 684, MedGen C0221055, MONDO:0008195, OMIM 168300. Disease mechanism: loss of function.
Hypokalemic periodic paralysis, type 2 (HOKPP2). Identifiers: Orphanet 681, MedGen C2750061, MONDO:0013234, OMIM 613345.
Potassium-aggravated myotonia. Also called: Myotonia congenita, atypical, acetazolamide-responsive; MYOTONIA CONGENITA, ACETAZOLAMIDE-RESPONSIVE; MYOTONIA CONGENITA, ATYPICAL; SODIUM CHANNEL MUSCLE DISEASE. Identifiers: Orphanet 612, Orphanet 99734, Orphanet 99735, Orphanet 99736, MedGen C2931826, MONDO:0018959, OMIM 608390.

Submissions (3):

GeneDx
Classification: Uncertain significance. Last evaluated: 2023-05-08. Review status: criteria provided, single submitter. Criteria: GeneDx Variant Classification Process June 2021. Collection method: clinical testing. Allele origin: germline. Affected: yes.
Comment: In silico analysis supports that this variant does not alter protein structure/function; Has not been previously published as pathogenic or benign to our knowledge

Labcorp Genetics (formerly Invitae), Labcorp
Classification: Uncertain significance for Hyperkalemic periodic paralysis. Last evaluated: 2022-12-06. Review status: criteria provided, single submitter. Criteria: Invitae Variant Classification Sherloc (09022015). Collection method: clinical testing. Allele origin: germline.
Comment: In summary, the available evidence is currently insufficient to determine the role of this variant in disease. Therefore, it has been classified as a Variant of Uncertain Significance. Algorithms developed to predict the effect of missense changes on protein structure and function are either unavailable or do not agree on the potential impact of this missense change (SIFT: "Not Available"; PolyPhen-2: "Benign"; Align-GVGD: "Not Available"). ClinVar contains an entry for this variant (Variation ID: 567394). This variant has not been reported in the literature in individuals affected with SCN4A-related conditions. The frequency data for this variant in the population databases is considered unreliable, as metrics indicate poor data quality at this position in the gnomAD database. This sequence change replaces threonine, which is neutral and polar, with methionine, which is neutral and non-polar, at codon 1826 of the SCN4A protein (p.Thr1826Met).

Fulgent Genetics
Classification: Uncertain significance for Paramyotonia congenita of Von Eulenburg; Hypokalemic periodic paralysis, type 1; Hyperkalemic periodic paralysis; Potassium-aggravated myotonia; Hypokalemic periodic paralysis, type 2; Congenital myasthenic syndrome 16. Last evaluated: 2022-05-23. Review status: criteria provided, single submitter. Criteria: ACMG Guidelines, 2015. Collection method: clinical testing. Allele origin: unknown.

NM_000334.4(SCN4A):c.5477_5478delinsTG (p.Thr1826Met)

Genes: GH-LCR (growth hormone locus control region; plus strand), SCN4A (sodium voltage-gated channel alpha subunit 4; minus strand). Cytogenetic location: 17q23.3.
Variant type: Indel.
Coding change: c.5477_5478delinsTG on transcript NM_000334.4 (MANE Select); coding-DNA positions 5477 to 5478, CT replaced by TG.
Protein change: p.Thr1826Met; replaces threonine 1826 with methionine.
Molecular consequence: missense variant.
Genome position (GRCh38, 1-based): chr17:63,940,804-63,940,805, AG replaced by CA on the plus strand (CT replaced by TG on the coding strand, the reverse complement: SCN4A is on the minus strand). VCF-style: chr17-63940804-AG-CA. GRCh37 (hg19) VCF-style: chr17-62018164-AG-CA.
Other names: c.5477_5478delCTinsTG (NM_000334.4); short protein forms T1826M.
Identifiers: ClinVar variation 567394 (VCV000567394.11), dbSNP rs1567815577, ClinGen allele CA891843701.